The following is an entry in ClinVar:

ClinVar aggregate classification (germline): Uncertain significance (1 of 4 stars; one submission).

Conditions:
Brugada syndrome. Also called: Sudden unexplained nocturnal death syndrome; Sudden Unexplained Nocturnal Death Syndrome (SUNDS); Sudden Unexplained Death Syndrome; Sudden unexpected nocturnal death syndrome. Identifiers: Orphanet 130, MedGen C1142166, MONDO:0015263.

Allele frequency attached by ClinVar (database versions not stated): gnomAD exomes below 0.00001.
gnomAD v4.1: 1 of 1,565,920 alleles (0.000064%); highest among the groups gnomAD compares: Non-Finnish European, 0.000087%; no homozygotes.

Submission:

Labcorp Genetics (formerly Invitae), Labcorp
Classification: Uncertain significance for Brugada syndrome. Last evaluated: 2020-09-26. Review status: criteria provided, single submitter. Criteria: Invitae Variant Classification Sherloc (09022015). Collection method: clinical testing. Allele origin: germline.
Comment: This variant has not been reported in the literature in individuals with SCN10A-related conditions. In summary, the available evidence is currently insufficient to determine the role of this variant in disease. Therefore, it has been classified as a Variant of Uncertain Significance. Advanced modeling of protein sequence and biophysical properties (such as structural, functional, and spatial information, amino acid conservation, physicochemical variation, residue mobility, and thermodynamic stability) performed at Invitae indicates that this missense variant is not expected to disrupt SCN10A protein function. This variant is not present in population databases (ExAC no frequency). This sequence change replaces threonine with isoleucine at codon 574 of the SCN10A protein (p.Thr574Ile). The threonine residue is moderately conserved and there is a moderate physicochemical difference between threonine and isoleucine.

NM_006514.4(SCN10A):c.1721C>T (p.Thr574Ile)

Gene: SCN10A (sodium voltage-gated channel alpha subunit 10; minus strand). Cytogenetic location: 3p22.2.
Variant type: single nucleotide variant.
Coding change: c.1721C>T on transcript NM_006514.4 (MANE Select); coding-DNA position 1721, C replaced by T.
Protein change: p.Thr574Ile; replaces threonine 574 with isoleucine.
Molecular consequence: missense variant. On other transcripts: intron variant (1).
Genome position (GRCh38, 1-based): chr3:38,752,253, G>A on the plus strand (C>T on the coding strand, the complement: SCN10A is on the minus strand). VCF-style: chr3-38752253-G-A. GRCh37 (hg19) VCF-style: chr3-38793744-G-A.
Other names: c.1721C>T, p.Thr574Ile (NM_001293306.2); c.1462-2069C>T (NM_001293307.2); short protein forms T574I.
Identifiers: ClinVar variation 1015057 (VCV001015057.5), dbSNP rs1380478295, ClinGen allele CA352167133.